The following is an entry in ClinVar:

ClinVar aggregate classification (germline): Uncertain significance. Review status: criteria provided, multiple submitters, no conflicts (2 of 4 stars). 2 submissions from 2 submitters: Uncertain significance (2). Last evaluated 2025-08-03.

Conditions:
Dyskeratosis congenita, autosomal dominant 2. Identifiers: MedGen C3151443, MONDO:0013521, OMIM 613989.
Idiopathic Pulmonary Fibrosis. Also called: Idiopathic fibrosing alveolitis, chronic form; idiopathic fibrosing alveolitis. Identifiers: Orphanet 2032, MedGen C1800706, MeSH D054990, MONDO:0800504.
Dyskeratosis congenita. Identifiers: Orphanet 1775, MedGen C0265965, MONDO:0015780.

Allele frequency attached by ClinVar (database versions not stated): TOPMed 0.00001.
gnomAD v4.1: 2 of 1,568,594 alleles (0.00013%); highest among the groups gnomAD compares: African/African-American, 0.0013%; no homozygotes.

Submissions (2):

Ambry Genetics
Classification: Uncertain significance for Dyskeratosis congenita. Last evaluated: 2025-08-03. Review status: criteria provided, single submitter. Criteria: Ambry Variant Classification Scheme 2023. Collection method: clinical testing. Allele origin: germline.
Comment: The p.A1009S variant (also known as c.3025G>T), located in coding exon 13 of the TERT gene, results from a G to T substitution at nucleotide position 3025. The alanine at codon 1009 is replaced by serine, an amino acid with similar properties. This amino acid position is conserved. In addition, the in silico prediction for this alteration is inconclusive. Based on the available evidence, the clinical significance of this variant remains unclear.

Labcorp Genetics (formerly Invitae), Labcorp
Classification: Uncertain significance for Dyskeratosis congenita, autosomal dominant 2; Idiopathic Pulmonary Fibrosis. Last evaluated: 2022-01-26. Review status: criteria provided, single submitter. Criteria: Invitae Variant Classification Sherloc (09022015). Collection method: clinical testing. Allele origin: germline.
Comment: This sequence change replaces alanine, which is neutral and non-polar, with serine, which is neutral and polar, at codon 1009 of the TERT protein (p.Ala1009Ser). This variant is not present in population databases (gnomAD no frequency). This variant has not been reported in the literature in individuals affected with TERT-related conditions. ClinVar contains an entry for this variant (Variation ID: 1011902). Advanced modeling of protein sequence and biophysical properties (such as structural, functional, and spatial information, amino acid conservation, physicochemical variation, residue mobility, and thermodynamic stability) performed at Invitae indicates that this missense variant is expected to disrupt TERT protein function. In summary, the available evidence is currently insufficient to determine the role of this variant in disease. Therefore, it has been classified as a Variant of Uncertain Significance.

NM_198253.3(TERT):c.3025G>T (p.Ala1009Ser)

Gene: TERT (telomerase reverse transcriptase; minus strand). Cytogenetic location: 5p15.33.
Variant type: single nucleotide variant.
Coding change: c.3025G>T on transcript NM_198253.3 (MANE Select); coding-DNA position 3025, G replaced by T.
Protein change: p.Ala1009Ser; replaces alanine 1009 with serine.
Molecular consequence: missense variant. On other transcripts: non-coding transcript variant (2).
Genome position (GRCh38, 1-based): chr5:1,258,605, C>A on the plus strand (G>T on the coding strand, the complement: TERT is on the minus strand). VCF-style: chr5-1258605-C-A. GRCh37 (hg19) VCF-style: chr5-1258720-C-A.
Other names: c.3025G>T (NM_198253.2); c.2836G>T, p.Ala946Ser (NM_001193376.3); short protein forms A1009S, A946S.
Identifiers: ClinVar variation 1011902 (VCV001011902.10), dbSNP rs1747928809, ClinGen allele CA359068800.